The following is an entry in ClinVar:

NM_019892.6(INPP5E):c.1742C>T (p.Thr581Met)

Gene: INPP5E (inositol polyphosphate-5-phosphatase E; minus strand). Cytogenetic location: 9q34.3.
Variant type: single nucleotide variant.
Coding change: c.1742C>T on transcript NM_019892.6 (MANE Select); coding-DNA position 1742, C replaced by T.
Protein change: p.Thr581Met; replaces threonine 581 with methionine.
Molecular consequence: missense variant.
Genome position (GRCh38, 1-based): chr9:136,430,337, G>A on the plus strand (C>T on the coding strand, the complement: INPP5E is on the minus strand). VCF-style: chr9-136430337-G-A. GRCh37 (hg19) VCF-style: chr9-139324789-G-A.
Other names: c.1739C>T, p.Thr580Met (NM_001318502.2); c.1742C>T (NM_019892.5); short protein forms T580M, T581M.
Identifiers: ClinVar variation 847309 (VCV000847309.13), dbSNP rs943471686, ClinGen allele CA201638310.
Genomic context (GRCh38, chr9:136,430,337, plus strand): 5'-TTGTCTCGCCCCGGCCTCACTTTCACCCGGAAGAGGCCATACACAGGGCGGTGGTCGGAC[G>A]TCTTGATCCCGGGGCAGGAAGAGTAGCTCACAGGACAGATGTCACCCTTGTGGCGGCTTC-3'
Protein context (NP_063945.2, residues 571-591): VSYSSCPGIK[Thr581Met]SDHRPVYGLF

ClinVar aggregate classification (germline): Uncertain significance. Review status: criteria provided, multiple submitters, no conflicts (2 of 4 stars). 6 submissions from 6 submitters: Uncertain significance (5). 1 of the submissions does not count toward it. Last evaluated 2024-11-26.

Conditions:
MORM syndrome (MORMS). Identifiers: Orphanet 75858, MedGen C1857802, MONDO:0012423, OMIM 610156.
Joubert syndrome 1 (JBTS1). Also called: Cerebellooculorenal syndrome 1; CEREBELLOPARENCHYMAL DISORDER IV. Identifiers: MedGen C4551568, MONDO:0008944, OMIM 213300.
INPP5E-related disorder. Also called: INPP5E-related condition.
Joubert syndrome. Also called: JOUBERT-BOLTSHAUSER SYNDROME; Familial aplasia of the vermis. Identifiers: Orphanet 475, MedGen C5979921, MONDO:0018772.
Inborn genetic diseases. Identifiers: MedGen C0950123, MeSH D030342.

Allele frequency attached by ClinVar (database versions not stated): gnomAD exomes 0.00001 and 0.00004; gnomAD 0.00002; TOPMed 0.00003.
gnomAD v4.1: 17 of 1,553,124 alleles (0.0011%); highest among the groups gnomAD compares: Admixed American, 0.022%; no homozygotes.

Submissions (6):

Ambry Genetics
Classification: Uncertain significance for Inborn genetic diseases. Last evaluated: 2024-11-26. Review status: criteria provided, single submitter. Criteria: Ambry Variant Classification Scheme 2023. Collection method: clinical testing. Allele origin: germline.

Fulgent Genetics
Classification: Uncertain significance for Joubert syndrome 1; MORM syndrome. Last evaluated: 2024-01-14. Review status: criteria provided, single submitter. Criteria: ACMG Guidelines, 2015. Collection method: clinical testing. Allele origin: germline.

Labcorp Genetics (formerly Invitae), Labcorp
Classification: Uncertain significance for Joubert syndrome. Last evaluated: 2023-11-06. Review status: criteria provided, single submitter. Criteria: Invitae Variant Classification Sherloc (09022015). Collection method: clinical testing. Allele origin: germline.
Comment: This sequence change replaces threonine, which is neutral and polar, with methionine, which is neutral and non-polar, at codon 581 of the INPP5E protein (p.Thr581Met). This variant is present in population databases (no rsID available, gnomAD 0.02%). This variant has not been reported in the literature in individuals affected with INPP5E-related conditions. ClinVar contains an entry for this variant (Variation ID: 847309). Advanced modeling of protein sequence and biophysical properties (such as structural, functional, and spatial information, amino acid conservation, physicochemical variation, residue mobility, and thermodynamic stability) performed at Invitae indicates that this missense variant is expected to disrupt INPP5E protein function with a positive predictive value of 95%. In summary, the available evidence is currently insufficient to determine the role of this variant in disease. Therefore, it has been classified as a Variant of Uncertain Significance.

Revvity Omics, Revvity
Classification: Uncertain significance. Last evaluated: 2019-11-11. Review status: criteria provided, single submitter. Criteria: ACMG Guidelines, 2015. Collection method: clinical testing. Allele origin: germline.

Blueprint Genetics
Classification: Uncertain significance. Last evaluated: 2019-07-30. Review status: criteria provided, single submitter. Criteria: ACMG Guidelines, 2015. Collection method: clinical testing. Allele origin: germline.

PreventionGenetics, part of Exact Sciences
Classification: Uncertain significance for INPP5E-related condition. Last evaluated: 2024-03-14. Review status: no assertion criteria provided. Collection method: clinical testing. Allele origin: germline. Not counted in ClinVar's aggregate classification.
Comment: The INPP5E c.1742C>T variant is predicted to result in the amino acid substitution p.Thr581Met. To our knowledge, this variant has not been reported in the literature. This variant is reported in 0.028% of alleles in individuals of Latino descent in gnomAD. At this time, the clinical significance of this variant is uncertain due to the absence of conclusive functional and genetic evidence.